The following is an entry in ClinVar:

ClinVar aggregate classification (germline): Uncertain significance (1 of 4 stars; one submission).

Submission:

CeGaT Center for Human Genetics Tuebingen
Classification: Uncertain significance. Last evaluated: 2023-12-01. Review status: criteria provided, single submitter. Criteria: CeGaT Center For Human Genetics Tuebingen Variant Classification Criteria Version 2. Collection method: clinical testing. Allele origin: germline. Affected: yes. Observed: 1 variant allele.
Comment: SON: PM2

NM_138927.4(SON):c.461C>T (p.Ser154Phe)

Gene: SON (SON DNA and RNA binding protein; plus strand). Cytogenetic location: 21q22.11.
Variant type: single nucleotide variant.
Coding change: c.461C>T on transcript NM_138927.4 (MANE Select); coding-DNA position 461, C replaced by T.
Protein change: p.Ser154Phe; replaces serine 154 with phenylalanine.
Molecular consequence: missense variant. On other transcripts: non-coding transcript variant (1), intron variant (1).
Genome position (GRCh38, 1-based): chr21:33,549,692, C>T. VCF-style: chr21-33549692-C-T. GRCh37 (hg19) VCF-style: chr21-34921998-C-T.
Other names: c.461C>T, p.Ser154Phe (NM_001291411.2, NM_001412133.1, NM_032195.3 and 2 more transcripts); c.244+3313C>T (NM_001291412.3); short protein forms S154F.
Identifiers: ClinVar variation 3024975 (VCV003024975.22), dbSNP rs2517345536, ClinGen allele CA410151109.